The following is an entry in ClinVar:

ClinVar aggregate classification (germline): Uncertain significance. Review status: criteria provided, multiple submitters, no conflicts (2 of 4 stars). 2 submissions from 2 submitters: Uncertain significance (2). Last evaluated 2024-01-09.

Conditions:
Fanconi anemia complementation group P. Also called: SLX4-Related Fanconi Anemia. Identifiers: Orphanet 84, MedGen C3469542, MONDO:0013499, OMIM 613951.
Fanconi anemia (FA). Also called: Fanconi's anemia. Identifiers: Orphanet 84, MedGen C0015625, MeSH D005199, MONDO:0019391.

Allele frequency attached by ClinVar (database versions not stated): gnomAD 0.00001; TOPMed 0.00002; gnomAD exomes 0.00005; ExAC 0.00007.
gnomAD v4.1: 30 of 1,613,456 alleles (0.0019%); highest among the groups gnomAD compares: Admixed American, 0.0033%; no homozygotes.

Submissions (2):

Fulgent Genetics
Classification: Uncertain significance for Fanconi anemia complementation group P. Last evaluated: 2024-01-09. Review status: criteria provided, single submitter. Criteria: ACMG Guidelines, 2015. Collection method: clinical testing. Allele origin: germline.

Labcorp Genetics (formerly Invitae), Labcorp
Classification: Uncertain significance for Fanconi anemia. Last evaluated: 2021-08-26. Review status: criteria provided, single submitter. Criteria: Invitae Variant Classification Sherloc (09022015). Collection method: clinical testing. Allele origin: germline.
Comment: This sequence change replaces arginine with tryptophan at codon 1823 of the SLX4 protein (p.Arg1823Trp). The arginine residue is moderately conserved and there is a moderate physicochemical difference between arginine and tryptophan. This variant is present in population databases (rs771230395, ExAC 0.03%). This variant has not been reported in the literature in individuals affected with SLX4-related conditions. Algorithms developed to predict the effect of missense changes on protein structure and function are either unavailable or do not agree on the potential impact of this missense change (SIFT: "Deleterious"; PolyPhen-2: "Possibly Damaging"; Align-GVGD: "Class C0"). In summary, the available evidence is currently insufficient to determine the role of this variant in disease. Therefore, it has been classified as a Variant of Uncertain Significance.

NM_032444.4(SLX4):c.5467C>T (p.Arg1823Trp)

Gene: SLX4 (SLX4 structure-specific endonuclease subunit; minus strand). Cytogenetic location: 16p13.3.
Variant type: single nucleotide variant.
Coding change: c.5467C>T on transcript NM_032444.4 (MANE Select); coding-DNA position 5467, C replaced by T.
Protein change: p.Arg1823Trp; replaces arginine 1823 with tryptophan.
Molecular consequence: missense variant.
Genome position (GRCh38, 1-based): chr16:3,582,380, G>A on the plus strand (C>T on the coding strand, the complement: SLX4 is on the minus strand). VCF-style: chr16-3582380-G-A. GRCh37 (hg19) VCF-style: chr16-3632381-G-A.
Other names: c.5467C>T (LRG_503t1); short protein forms R1823W.
Identifiers: ClinVar variation 407914 (VCV000407914.8), dbSNP rs771230395, ClinGen allele CA7865297.